The following is an entry in ClinVar:

ClinVar aggregate classification (germline): Benign (1 of 4 stars; one submission).

Allele frequency attached by ClinVar (database versions not stated): gnomAD 0.04579 and 0.05664; TOPMed 0.05480; 1000 Genomes Project 30x 0.15803; 1000 Genomes Project 0.16693.
gnomAD v4.1: 8,561 of 152,294 alleles (5.6%); highest among the groups gnomAD compares: East Asian, 60%; 1,088 homozygotes.

Submission:

GeneDx
Classification: Benign. Last evaluated: 2018-06-14. Review status: criteria provided, single submitter. Criteria: GeneDx Variant Classification (06012015). Collection method: clinical testing. Allele origin: germline. Affected: yes.
Comment: This variant is considered likely benign or benign based on one or more of the following criteria: it is a conservative change, it occurs at a poorly conserved position in the protein, it is predicted to be benign by multiple in silico algorithms, and/or has population frequency not consistent with disease.

NM_001999.4(FBN2):c.4345+183A>G

Gene: FBN2 (fibrillin 2; minus strand). Cytogenetic location: 5q23.3.
Variant type: single nucleotide variant.
Coding change: c.4345+183A>G on transcript NM_001999.4 (MANE Select); 183 bases into the intron after coding-DNA position 4345, A replaced by G.
Molecular consequence: intron variant.
Genome position (GRCh38, 1-based): chr5:128,330,390, T>C on the plus strand (A>G on the coding strand, the complement: FBN2 is on the minus strand). VCF-style: chr5-128330390-T-C. GRCh37 (hg19) VCF-style: chr5-127666082-T-C.
Identifiers: ClinVar variation 674502 (VCV000674502.1), dbSNP rs469913, ClinGen allele CA127005550.
Genomic context (GRCh38, chr5:128,330,390, plus strand): 5'-AGTCATTAACAGTACATGATTGTTACAAATGCCGTTATTTGAAAACTTCCAACAATATAT[T>C]TGGAAAGTCATTCAGGTTTTTGTGTTTAATGTAAGAGAAAGATACATAGTCACCTGCAAG-3'